The following is an entry in ClinVar:

ClinVar aggregate classification (germline): Uncertain significance (1 of 4 stars; one submission).

Conditions:
Left ventricular noncompaction 8 (LVNC8). Identifiers: Orphanet 154, Orphanet 54260, MedGen C3809288, MONDO:0014152, OMIM 615373.

Submission:

Labcorp Genetics (formerly Invitae), Labcorp
Classification: Uncertain significance for Left ventricular noncompaction 8. Last evaluated: 2022-06-17. Review status: criteria provided, single submitter. Criteria: Invitae Variant Classification Sherloc (09022015). Collection method: clinical testing. Allele origin: germline.
Comment: In summary, the available evidence is currently insufficient to determine the role of this variant in disease. Therefore, it has been classified as a Variant of Uncertain Significance. Algorithms developed to predict the effect of missense changes on protein structure and function (SIFT, PolyPhen-2, Align-GVGD) all suggest that this variant is likely to be tolerated. This variant has not been reported in the literature in individuals affected with PRDM16-related conditions. This variant is not present in population databases (gnomAD no frequency). This sequence change replaces alanine, which is neutral and non-polar, with glycine, which is neutral and non-polar, at codon 1220 of the PRDM16 protein (p.Ala1220Gly).

NM_022114.4(PRDM16):c.3659C>G (p.Ala1220Gly)

Gene: PRDM16 (PR/SET domain 16; plus strand). Cytogenetic location: 1p36.32.
Variant type: single nucleotide variant.
Coding change: c.3659C>G on transcript NM_022114.4 (MANE Select); coding-DNA position 3659, C replaced by G.
Protein change: p.Ala1220Gly; replaces alanine 1220 with glycine.
Molecular consequence: missense variant.
Genome position (GRCh38, 1-based): chr1:3,432,103, C>G. VCF-style: chr1-3432103-C-G. GRCh37 (hg19) VCF-style: chr1-3348667-C-G.
Other names: c.3659C>G, p.Ala1220Gly (NM_199454.3); short protein forms A1220G.
Identifiers: ClinVar variation 2007178 (VCV002007178.4), dbSNP rs2523978841, ClinGen allele CA338004813.